The following is an entry in ClinVar:

NM_001844.5(COL2A1):c.3436-73T>C

Gene: COL2A1 (collagen type II alpha 1 chain; minus strand). Cytogenetic location: 12q13.11.
Variant type: single nucleotide variant.
Coding change: c.3436-73T>C on transcript NM_001844.5 (MANE Select); 73 bases into the intron before coding-DNA position 3436, T replaced by C.
Molecular consequence: intron variant.
Genome position (GRCh38, 1-based): chr12:47,976,640, A>G on the plus strand (T>C on the coding strand, the complement: COL2A1 is on the minus strand). VCF-style: chr12-47976640-A-G. GRCh37 (hg19) VCF-style: chr12-48370423-A-G.
Other names: c.3229-73T>C (NM_033150.3).
Identifiers: ClinVar variation 676706 (VCV000676706.1), dbSNP rs41272761, ClinGen allele CA236518259.

ClinVar aggregate classification (germline): Benign (1 of 4 stars; one submission).

Allele frequency attached by ClinVar (database versions not stated): gnomAD exomes 0.00233; gnomAD 0.02362 and 0.02513; ESP Exome Variant Server 0.02497; TOPMed 0.02628; 1000 Genomes Project 0.02895; 1000 Genomes Project 30x 0.03154.
gnomAD v4.1: 6,896 of 1,512,066 alleles (0.46%); highest among the groups gnomAD compares: African/African-American, 8.1%; 281 homozygotes.

Submission:

GeneDx
Classification: Benign. Last evaluated: 2018-06-14. Review status: criteria provided, single submitter. Criteria: GeneDx Variant Classification (06012015). Collection method: clinical testing. Allele origin: germline. Affected: yes.
Comment: This variant is considered likely benign or benign based on one or more of the following criteria: it is a conservative change, it occurs at a poorly conserved position in the protein, it is predicted to be benign by multiple in silico algorithms, and/or has population frequency not consistent with disease.